The following is an entry in ClinVar:

NM_000159.4(GCDH):c.157C>T (p.Pro53Ser)

Genes: GCDH (glutaryl-CoA dehydrogenase; plus strand), LOC117125594 (CRISPRi-FlowFISH-validated KLF1 regulatory element; plus strand). Cytogenetic location: 19p13.13.
Variant type: single nucleotide variant.
Coding change: c.157C>T on transcript NM_000159.4 (MANE Select); coding-DNA position 157, C replaced by T.
Protein change: p.Pro53Ser; replaces proline 53 with serine.
Molecular consequence: missense variant. On other transcripts: non-coding transcript variant (2).
Genome position (GRCh38, 1-based): chr19:12,891,860, C>T. VCF-style: chr19-12891860-C-T. GRCh37 (hg19) VCF-style: chr19-13002674-C-T.
Other names: c.157C>T, p.Pro53Ser (NM_013976.5); short protein forms P53S.
Identifiers: ClinVar variation 969919 (VCV000969919.10), dbSNP rs768532620, ClinGen allele CA9234268.

ClinVar aggregate classification (germline): Conflicting classifications of pathogenicity. Review status: criteria provided, conflicting classifications (1 of 4 stars). 3 submissions from 3 submitters: Pathogenic (1); Likely pathogenic (1); Uncertain significance (1). Last evaluated 2025-10-11.

Conditions:
Glutaric aciduria, type 1. Also called: Glutaric Acidemia Type 1; GA I; Glutaryl-CoA dehydrogenase deficiency; Glutaric acidemia type I; Glutaricaciduria, type I; Glutaricacidemia Type 1. Identifiers: Orphanet 25, MedGen C0268595, MONDO:0009281, OMIM 231670.

Allele frequency attached by ClinVar (database versions not stated): ExAC 0.00001; gnomAD 0.00001; gnomAD exomes 0.00001 and 0.00005; TOPMed 0.00002.

Submissions (3):

Labcorp Genetics (formerly Invitae), Labcorp
Classification: Pathogenic for Glutaric aciduria, type 1. Last evaluated: 2025-10-11. Review status: criteria provided, single submitter. Criteria: Invitae Variant Classification Sherloc (09022015). Collection method: clinical testing. Allele origin: germline.
Comment: This sequence change replaces proline, which is neutral and non-polar, with serine, which is neutral and polar, at codon 53 of the GCDH protein (p.Pro53Ser). This variant is present in population databases (rs768532620, gnomAD 0.002%). This missense change has been observed in individual(s) with glutaric aciduria type I (PMID: 15505393, 22728054). ClinVar contains an entry for this variant (Variation ID: 969919). Invitae Evidence Modeling of protein sequence and biophysical properties (such as structural, functional, and spatial information, amino acid conservation, physicochemical variation, residue mobility, and thermodynamic stability) indicates that this missense variant is expected to disrupt GCDH protein function with a positive predictive value of 95%. For these reasons, this variant has been classified as Pathogenic.

Blueprint Genetics
Classification: Uncertain significance. Last evaluated: 2024-10-22. Review status: criteria provided, single submitter. Criteria: ACMG Guidelines, 2015. Collection method: clinical testing. Allele origin: germline.

Fulgent Genetics
Classification: Likely pathogenic for Glutaric aciduria, type 1. Last evaluated: 2021-11-04. Review status: criteria provided, single submitter. Criteria: ACMG Guidelines, 2015. Collection method: clinical testing. Allele origin: unknown.

Literature cited by the submitters: PubMed 15505393 (cited by Labcorp Genetics (formerly Invitae), Labcorp); PubMed 22728054 (cited by Labcorp Genetics (formerly Invitae), Labcorp).